The following is an entry in ClinVar:

NM_000170.3(GLDC):c.2017del (p.Tyr673fs)

Gene: GLDC (glycine decarboxylase; minus strand). Cytogenetic location: 9p24.1.
Variant type: Deletion.
Coding change: c.2017del on transcript NM_000170.3 (MANE Select); coding-DNA position 2017, one base deleted (T; older notation c.2017delT).
Protein change: p.Tyr673fs; shifts the reading frame from tyrosine 673.
Molecular consequence: frameshift variant.
Genome position (GRCh38, 1-based): chr9:6,558,594, A deleted on the plus strand (T on the coding strand, the reverse complement: GLDC is on the minus strand). VCF-style (leftmost placement, unchanged base first): chr9-6558593-TA-T. GRCh37 (hg19) VCF-style: chr9-6558593-TA-T.
Other names: short protein forms Y673fs.
Identifiers: ClinVar variation 1726923 (VCV001726923.2), dbSNP rs2489039784, ClinGen allele CA2580080260.

ClinVar aggregate classification (germline): Likely pathogenic (1 of 4 stars; one submission).

Conditions:
Glycine encephalopathy. Also called: Non-ketotic hyperglycinemia; Nonketotic hyperglycinemia. Identifiers: Orphanet 407, MedGen C0751748, MONDO:0011612, HP:0008288.

Submission:

Myriad Genetics, Inc.
Classification: Likely pathogenic for Glycine encephalopathy 1. Last evaluated: 2022-01-02. Review status: criteria provided, single submitter. Criteria: Myriad Women's Health Autosomal Recessive and X-Linked Classification Criteria (2021). Collection method: clinical testing. Allele origin: unknown.
Comment: NM_000170.2(GLDC):c.2017delT(Y673Mfs*20) is expected to be pathogenic in the context of glycine encephalopathy, GLDC-related. This variant is predicted to lead to an abnormal or absent protein product due to the creation of a premature termination codon in GLDC, a gene where loss-of-function variants are known to be pathogenic. Please note: this variant was assessed in the context of healthy population screening.